The following is an entry in ClinVar:

NM_001231.5(CASQ1):c.279+6T>A

Gene: CASQ1 (calsequestrin 1; plus strand). Cytogenetic location: 1q23.2.
Variant type: single nucleotide variant.
Coding change: c.279+6T>A on transcript NM_001231.5 (MANE Select); 6 bases into the intron after coding-DNA position 279, T replaced by A.
Molecular consequence: intron variant.
Genome position (GRCh38, 1-based): chr1:160,191,036, T>A. VCF-style: chr1-160191036-T-A. GRCh37 (hg19) VCF-style: chr1-160160826-T-A.
Identifiers: ClinVar variation 2959924 (VCV002959924.3), dbSNP rs754699536, ClinGen allele CA2648652672.

ClinVar aggregate classification (germline): Uncertain significance (1 of 4 stars; one submission).

Submission:

Labcorp Genetics (formerly Invitae), Labcorp
Classification: Uncertain significance. Last evaluated: 2023-11-25. Review status: criteria provided, single submitter. Criteria: Invitae Variant Classification Sherloc (09022015). Collection method: clinical testing. Allele origin: germline.
Comment: This sequence change falls in intron 1 of the CASQ1 gene. It does not directly change the encoded amino acid sequence of the CASQ1 protein. It affects a nucleotide within the consensus splice site. This variant is not present in population databases (gnomAD no frequency). This variant has not been reported in the literature in individuals affected with CASQ1-related conditions. Variants that disrupt the consensus splice site are a relatively common cause of aberrant splicing (PMID: 17576681, 9536098). Algorithms developed to predict the effect of sequence changes on RNA splicing suggest that this variant is not likely to affect RNA splicing. In summary, the available evidence is currently insufficient to determine the role of this variant in disease. Therefore, it has been classified as a Variant of Uncertain Significance.

Literature cited by the submitters: PubMed 17576681; PubMed 9536098.